The following is an entry in ClinVar:

NM_000343.4(SLC5A1):c.1724C>T (p.Ala575Val)

Gene: SLC5A1 (solute carrier family 5 member 1; plus strand). Cytogenetic location: 22q12.3.
Variant type: single nucleotide variant.
Coding change: c.1724C>T on transcript NM_000343.4 (MANE Select); coding-DNA position 1724, C replaced by T.
Protein change: p.Ala575Val; replaces alanine 575 with valine.
Molecular consequence: missense variant.
Genome position (GRCh38, 1-based): chr22:32,104,844, C>T. VCF-style: chr22-32104844-C-T. GRCh37 (hg19) VCF-style: chr22-32500831-C-T.
Other names: c.1343C>T, p.Ala448Val (NM_001256314.2); short protein forms A448V, A575V.
Identifiers: ClinVar variation 1420608 (VCV001420608.5), dbSNP rs185883847, ClinGen allele CA10198304.

ClinVar aggregate classification (germline): Uncertain significance (1 of 4 stars; one submission).

Conditions:
Congenital glucose-galactose malabsorption (GGM). Also called: MONOSACCHARIDE MALABSORPTION; DIARRHEA 16. Identifiers: Orphanet 35710, MedGen C0268186, MONDO:0011731, OMIM 606824.

Allele frequency attached by ClinVar (database versions not stated): gnomAD 0.00002 and 0.00003; TOPMed 0.00002; ESP Exome Variant Server 0.00008.
gnomAD v4.1: 28 of 1,613,988 alleles (0.0017%); highest among the groups gnomAD compares: African/African-American, 0.0093%; no homozygotes.

Submission:

Labcorp Genetics (formerly Invitae), Labcorp
Classification: Uncertain significance for Congenital glucose-galactose malabsorption. Last evaluated: 2024-12-09. Review status: criteria provided, single submitter. Criteria: Invitae Variant Classification Sherloc (09022015). Collection method: clinical testing. Allele origin: germline.
Comment: This sequence change replaces alanine, which is neutral and non-polar, with valine, which is neutral and non-polar, at codon 575 of the SLC5A1 protein (p.Ala575Val). This variant is present in population databases (rs185883847, gnomAD 0.008%). This variant has not been reported in the literature in individuals affected with SLC5A1-related conditions. ClinVar contains an entry for this variant (Variation ID: 1420608). Invitae Evidence Modeling of protein sequence and biophysical properties (such as structural, functional, and spatial information, amino acid conservation, physicochemical variation, residue mobility, and thermodynamic stability) indicates that this missense variant is not expected to disrupt SLC5A1 protein function with a negative predictive value of 95%. In summary, the available evidence is currently insufficient to determine the role of this variant in disease. Therefore, it has been classified as a Variant of Uncertain Significance.